The following is an entry in ClinVar:

ClinVar aggregate classification (germline): Uncertain significance (1 of 4 stars; one submission).

Conditions:
Nephronophthisis. Also called: Juvenile Nephronophthisis. Identifiers: Orphanet 655, MedGen C0687120, MONDO:0019005, HP:0000090.

Allele frequency attached by ClinVar (database versions not stated): gnomAD exomes below 0.00001 and 0.00001; TOPMed below 0.00001; ExAC 0.00001; gnomAD 0.00001.
gnomAD v4.1: 17 of 1,613,876 alleles (0.0011%); highest among the groups gnomAD compares: Non-Finnish European, 0.0014%; no homozygotes.

Submission:

Labcorp Genetics (formerly Invitae), Labcorp
Classification: Uncertain significance for Nephronophthisis. Last evaluated: 2022-02-03. Review status: criteria provided, single submitter. Criteria: Invitae Variant Classification Sherloc (09022015). Collection method: clinical testing. Allele origin: germline.
Comment: This sequence change replaces alanine, which is neutral and non-polar, with threonine, which is neutral and polar, at codon 463 of the INVS protein (p.Ala463Thr). This variant is present in population databases (rs770018625, gnomAD 0.002%). In summary, the available evidence is currently insufficient to determine the role of this variant in disease. Therefore, it has been classified as a Variant of Uncertain Significance. Algorithms developed to predict the effect of missense changes on protein structure and function (SIFT, PolyPhen-2, Align-GVGD) all suggest that this variant is likely to be disruptive. ClinVar contains an entry for this variant (Variation ID: 1056385). This variant has not been reported in the literature in individuals affected with INVS-related conditions.

NM_014425.5(INVS):c.1387G>A (p.Ala463Thr)

Gene: INVS (inversin; plus strand). Cytogenetic location: 9q31.1.
Variant type: single nucleotide variant.
Coding change: c.1387G>A on transcript NM_014425.5 (MANE Select); coding-DNA position 1387, G replaced by A.
Protein change: p.Ala463Thr; replaces alanine 463 with threonine.
Molecular consequence: missense variant. On other transcripts: non-coding transcript variant (1).
Genome position (GRCh38, 1-based): chr9:100,253,059, G>A. VCF-style: chr9-100253059-G-A. GRCh37 (hg19) VCF-style: chr9-103015341-G-A.
Other names: c.1099G>A, p.Ala367Thr (NM_001318381.2); c.409G>A, p.Ala137Thr (NM_001318382.2); short protein forms A137T, A367T, A463T.
Identifiers: ClinVar variation 1056385 (VCV001056385.9), dbSNP rs770018625, ClinGen allele CA5158384.
Genomic context (GRCh38, chr9:100,253,059, plus strand): 5'-ATAGAAAATAAGATCAATCCAAATGTCCAGGATTATGCAGGAAGAACCCCTTTGCAGTGT[G>A]CAGCATATGGAGGCTATATCAACTGCATGGCAGTTCTCATGGAAAACAATGCAGACCCTA-3'
Protein context (NP_055240.2, residues 453-473): DYAGRTPLQC[Ala463Thr]AYGGYINCMA